The following is an entry in ClinVar:

ClinVar aggregate classification (germline): Uncertain significance. Review status: criteria provided, multiple submitters, no conflicts (2 of 4 stars). 4 submissions from 4 submitters: Uncertain significance (4). Last evaluated 2026-08-19.

Conditions:
Cardiomyopathy (CMYO). Also called: Cardiomyopathies. Identifiers: Orphanet 167848, MedGen C0878544, MONDO:0004994, HP:0001638. Inheritance: Various modes of inheritance.
Cardiovascular phenotype. Identifiers: MedGen CN230736.
Catecholaminergic polymorphic ventricular tachycardia 1. Also called: VENTRICULAR TACHYCARDIA, CATECHOLAMINERGIC POLYMORPHIC, 1, WITH OR WITHOUT ATRIAL DYSFUNCTION AND/OR DILATED CARDIOMYOPATHY; RYR2-Related Catecholaminergic Polymorphic Ventricular Tachycardia; VENTRICULAR TACHYCARDIA, STRESS-INDUCED POLYMORPHIC 1. Identifiers: Orphanet 3286, MedGen C1631597, MONDO:0011484, OMIM 604772.

Allele frequency attached by ClinVar (database versions not stated): gnomAD exomes below 0.00001; gnomAD 0.00001; 1000 Genomes Project 30x 0.00016; 1000 Genomes Project 0.00020.
gnomAD v4.1: 11 of 1,611,540 alleles (0.00068%); highest among the groups gnomAD compares: Non-Finnish European, 0.00093%; no homozygotes.

Submissions (4):

Ambry Genetics
Classification: Uncertain significance for Cardiovascular phenotype. Last evaluated: 2026-08-19. Review status: criteria provided, single submitter. Criteria: Ambry Variant Classification Scheme 2023. Collection method: clinical testing. Allele origin: germline.
Comment: The p.Y2680D variant (also known as c.8038T>G), located in coding exon 53 of the RYR2 gene, results from a T to G substitution at nucleotide position 8038. The tyrosine at codon 2680 is replaced by aspartic acid, an amino acid with highly dissimilar properties. This amino acid position is conserved. In addition, this alteration is predicted to be deleterious by in silico analysis. Based on the available evidence, the clinical significance of this variant remains unclear.

Color Diagnostics, LLC DBA Color Health
Classification: Uncertain significance for Cardiomyopathy. Last evaluated: 2025-07-09. Review status: criteria provided, single submitter. Criteria: ACMG Guidelines, 2015. Collection method: clinical testing. Allele origin: germline.
Comment: This missense variant replaces tyrosine with aspartic acid at codon 2680 of the RYR2 protein. Computational prediction suggests that this variant may have a deleterious impact on protein structure and function. To our knowledge, functional studies have not been reported for this variant. This variant has not been reported in individuals affected with RYR2-related disorders in the literature. This variant has been identified in 1/244948 chromosomes in the general population by the Genome Aggregation Database (gnomAD). The available evidence is insufficient to determine the role of this variant in disease conclusively. Therefore, this variant is classified as a Variant of Uncertain Significance.

GeneDx
Classification: Uncertain significance. Last evaluated: 2025-03-19. Review status: criteria provided, single submitter. Criteria: GeneDx Variant Classification Process June 2021. Collection method: clinical testing. Allele origin: germline. Affected: yes.
Comment: Not observed at significant frequency in large population cohorts (gnomAD); In silico analysis supports that this missense variant has a deleterious effect on protein structure/function; Not located in one of the three hot-spot regions of the RYR2 gene, where the majority of pathogenic missense variants occur (PMID: 19926015); Has not been previously published as pathogenic or benign to our knowledge; This variant is associated with the following publications: (PMID: 19926015)

Labcorp Genetics (formerly Invitae), Labcorp
Classification: Uncertain significance for Catecholaminergic polymorphic ventricular tachycardia 1. Last evaluated: 2022-12-27. Review status: criteria provided, single submitter. Criteria: Invitae Variant Classification Sherloc (09022015). Collection method: clinical testing. Allele origin: germline.
Comment: This variant is present in population databases (rs181732213, gnomAD 0.0009%). In summary, the available evidence is currently insufficient to determine the role of this variant in disease. Therefore, it has been classified as a Variant of Uncertain Significance. Advanced modeling of protein sequence and biophysical properties (such as structural, functional, and spatial information, amino acid conservation, physicochemical variation, residue mobility, and thermodynamic stability) performed at Invitae indicates that this missense variant is expected to disrupt RYR2 protein function. ClinVar contains an entry for this variant (Variation ID: 532376). This variant has not been reported in the literature in individuals affected with RYR2-related conditions. This sequence change replaces tyrosine, which is neutral and polar, with aspartic acid, which is acidic and polar, at codon 2680 of the RYR2 protein (p.Tyr2680Asp).

NM_001035.3(RYR2):c.8038T>G (p.Tyr2680Asp)

Gene: RYR2 (ryanodine receptor 2; plus strand). Cytogenetic location: 1q43.
Variant type: single nucleotide variant.
Coding change: c.8038T>G on transcript NM_001035.3 (MANE Select); coding-DNA position 8038, T replaced by G.
Protein change: p.Tyr2680Asp; replaces tyrosine 2680 with aspartic acid.
Molecular consequence: missense variant.
Genome position (GRCh38, 1-based): chr1:237,655,893, T>G. VCF-style: chr1-237655893-T-G. GRCh37 (hg19) VCF-style: chr1-237819193-T-G.
Other names: c.8038T>G, p.Tyr2680Asp (LRG_402t1); short protein forms Y2680D.
Identifiers: ClinVar variation 532376 (VCV000532376.13), dbSNP rs181732213, ClinGen allele CA39802494.